The following is an entry in ClinVar:

ClinVar aggregate classification (germline): Benign (1 of 4 stars; one submission).

Allele frequency attached by ClinVar (database versions not stated): gnomAD exomes 0.00009 and 0.00030; ExAC 0.00029; 1000 Genomes Project 30x 0.00062; 1000 Genomes Project 0.00079; ESP Exome Variant Server 0.00088; gnomAD 0.00104 and 0.00115; TOPMed 0.00111.

Submission:

GeneDx
Classification: Benign. Last evaluated: 2014-06-16. Review status: criteria provided, single submitter. Criteria: GeneDx Variant Classification (06012015). Collection method: clinical testing. Allele origin: germline. Affected: yes.
Comment: The variant is found in EPILEPSY,CORTICAL-BRAIN panel(s).

NM_014467.3(SRPX2):c.660-16del

Gene: SRPX2 (sushi repeat containing protein X-linked 2; plus strand). Cytogenetic location: Xq22.1.
Variant type: Deletion.
Coding change: c.660-16del on transcript NM_014467.3 (MANE Select); 16 bases into the intron before coding-DNA position 660, one base deleted (A; older notation c.660-16delA).
Molecular consequence: intron variant.
Genome position (GRCh38, 1-based): chrX:100,665,520, A deleted. VCF-style (leftmost placement, unchanged base first): chrX-100665519-CA-C. GRCh37 (hg19) VCF-style: chrX-99920516-CA-C.
Identifiers: ClinVar variation 207382 (VCV000207382.1), dbSNP rs764480482, ClinGen allele CA318792.